The following is an entry in ClinVar:

ClinVar aggregate classification (germline): Uncertain significance (1 of 4 stars; one submission).

Conditions:
Glycogen storage disease, type II (IOPD). Also called: Glucosidase acid-1,4-alpha deficiency; Pompe Disease; GLYCOGENOSIS, GENERALIZED, CARDIAC FORM; GSD II; POMPE DISEASE, INFANTILE-ONSET; GLYCOGEN STORAGE DISEASE II, INFANTILE-ONSET. Identifiers: Orphanet 365, MedGen C0017921, MONDO:0009290, OMIM 232300.

Submission:

Labcorp Genetics (formerly Invitae), Labcorp
Classification: Uncertain significance for Glycogen storage disease, type II. Last evaluated: 2021-07-25. Review status: criteria provided, single submitter. Criteria: Invitae Variant Classification Sherloc (09022015). Collection method: clinical testing. Allele origin: germline.
Comment: This variant is not present in population databases (ExAC no frequency). This sequence change replaces glycine with serine at codon 259 of the GAA protein (p.Gly259Ser). The glycine residue is highly conserved and there is a small physicochemical difference between glycine and serine. This variant has not been reported in the literature in individuals affected with GAA-related conditions. In summary, the available evidence is currently insufficient to determine the role of this variant in disease. Therefore, it has been classified as a Variant of Uncertain Significance. Advanced modeling of protein sequence and biophysical properties (such as structural, functional, and spatial information, amino acid conservation, physicochemical variation, residue mobility, and thermodynamic stability) performed at Invitae indicates that this missense variant is expected to disrupt GAA protein function.

NM_000152.5(GAA):c.775G>A (p.Gly259Ser)

Gene: GAA (alpha glucosidase; plus strand). Cytogenetic location: 17q25.3.
Variant type: single nucleotide variant.
Coding change: c.775G>A on transcript NM_000152.5 (MANE Select); coding-DNA position 775, G replaced by A.
Protein change: p.Gly259Ser; replaces glycine 259 with serine.
Molecular consequence: missense variant.
Genome position (GRCh38, 1-based): chr17:80,107,639, G>A. VCF-style: chr17-80107639-G-A. GRCh37 (hg19) VCF-style: chr17-78081438-G-A.
Other names: c.775G>A, p.Gly259Ser (NM_001079803.3, NM_001079804.3); short protein forms G259S.
Identifiers: ClinVar variation 1502900 (VCV001502900.8), dbSNP rs2143846660, ClinGen allele CA401363432.